The following is an entry in ClinVar:

NM_004006.3(DMD):c.3365_3366dup (p.Phe1123fs)

Gene: DMD (dystrophin; minus strand). Cytogenetic location: Xp21.1.
Variant type: Microsatellite.
Coding change: c.3365_3366dup on transcript NM_004006.3 (MANE Select); coding-DNA positions 3365 to 3366, 2 bases duplicated (AG; older notation c.3365_3366dupAG).
Protein change: p.Phe1123fs; shifts the reading frame from phenylalanine 1123.
Molecular consequence: frameshift variant.
Genome position (GRCh38, 1-based): chrX:32,463,505-32,463,506, CT duplicated on the plus strand (AG on the coding strand, the reverse complement: DMD is on the minus strand); duplicating any 2 consecutive bases within chrX:32,463,505-32,463,508 gives the same sequence; the c. name uses the placement nearest the transcript's 3' end. VCF-style (leftmost placement, unchanged base first): chrX-32463504-A-ACT. GRCh37 (hg19) VCF-style: chrX-32481621-A-ACT.
Other names: c.3341_3342dup, p.Phe1115fs (NM_000109.4); c.3353_3354dup, p.Phe1119fs (NM_004009.3); c.2996_2997dup, p.Phe1000fs (NM_004010.3); c.3365_3366dupAG (NM_004006.2); short protein forms F1000fs, F1115fs, F1123fs, F1119fs.
Identifiers: ClinVar variation 373208 (VCV000373208.2), dbSNP rs1057518284, ClinGen allele CA16043315.

ClinVar aggregate classification (germline): Pathogenic (1 of 4 stars; one submission).

Submission:

GeneDx
Classification: Pathogenic. Last evaluated: 2020-03-26. Review status: criteria provided, single submitter. Criteria: GeneDx Variant Classification Process June 2021. Collection method: clinical testing. Allele origin: germline. Affected: yes.
Comment: Frameshift variant predicted to result in protein truncation or nonsense mediated decay in a gene for which loss-of-function is a known mechanism of disease; Not observed in large population cohorts (Lek et al., 2016); Has not been previously published as pathogenic or benign to our knowledge